The following is an entry in ClinVar:

ClinVar aggregate classification (germline): Pathogenic (1 of 4 stars; one submission).

Conditions:
Neuropathy, hereditary sensory and autonomic, type 2A (HSAN2A). Also called: WNK1-Related HSAN2 (HSAN2A); MORVAN DISEASE; NEUROPATHY, CONGENITAL SENSORY; NEUROPATHY, HEREDITARY SENSORY RADICULAR, AUTOSOMAL RECESSIVE; NEUROPATHY, HEREDITARY SENSORY, TYPE IIA; NEUROPATHY, PROGRESSIVE SENSORY, OF CHILDREN. Identifiers: Orphanet 970, MedGen C2752089, MONDO:0024309, OMIM 201300.
Generalized epilepsy with febrile seizures plus, type 7 (GEFSP7). Also called: GEFS+, TYPE 7. Identifiers: Orphanet 36387, MedGen C2751778, MONDO:0013470, OMIM 613863.

Submission:

Labcorp Genetics (formerly Invitae), Labcorp
Classification: Pathogenic for Neuropathy, hereditary sensory and autonomic, type 2A; Generalized epilepsy with febrile seizures plus, type 7. Last evaluated: 2018-11-20. Review status: criteria provided, single submitter. Criteria: Invitae Variant Classification Sherloc (09022015). Collection method: clinical testing. Allele origin: germline.
Comment: Loss-of-function variants in SCN9A are known to be pathogenic (PMID: 17470132, 19304393). This variant has not been reported in the literature in individuals with SCN9A-related disease. This variant is present in population databases (rs775868908, ExAC 0.001%). This sequence change creates a premature translational stop signal (p.Phe589Cysfs*25) in the SCN9A gene. It is expected to result in an absent or disrupted protein product. For these reasons, this variant has been classified as Pathogenic.

Literature cited by the submitters: PubMed 17470132; PubMed 19304393.

NM_001365536.1(SCN9A):c.1766_1769del (p.Phe589fs)

Genes: SCN9A (sodium voltage-gated channel alpha subunit 9; minus strand), SCN1A-AS1 (SCN1A and SCN9A antisense RNA 1; plus strand). Cytogenetic location: 2q24.3.
Variant type: Deletion.
Coding change: c.1766_1769del on transcript NM_001365536.1 (MANE Select); coding-DNA positions 1766 to 1769, 4 bases deleted (TTGT; older notation c.1766_1769delTTGT).
Protein change: p.Phe589fs; shifts the reading frame from phenylalanine 589.
Molecular consequence: frameshift variant.
Genome position (GRCh38, 1-based): chr2:166,284,658-166,284,661, ACAA deleted on the plus strand (TTGT on the coding strand, the reverse complement: SCN9A is on the minus strand); deleting any 4 consecutive bases within chr2:166,284,658-166,284,664 gives the same sequence; the c. name uses the placement nearest the transcript's 3' end. VCF-style (leftmost placement, unchanged base first): chr2-166284657-CACAA-C. GRCh37 (hg19) VCF-style: chr2-167141167-CACAA-C.
Other names: c.1766_1769delTTGT (NM_002977.3); c.1763_1766delTGTT, p.Phe589Cysfs (NM_002977.4); short protein forms F589fs.
Identifiers: ClinVar variation 650286 (VCV000650286.7), dbSNP rs775868908, ClinGen allele CA1944435.